The following is an entry in ClinVar:

NM_001283009.2(RTEL1):c.2413+1G>C

Genes: RTEL1 (regulator of telomere elongation helicase 1; plus strand), RTEL1-TNFRSF6B (RTEL1-TNFRSF6B readthrough (NMD candidate); plus strand). Cytogenetic location: 20q13.33.
Variant type: single nucleotide variant.
Coding change: c.2413+1G>C on transcript NM_001283009.2 (MANE Select); the canonical splice donor site of the intron after coding-DNA position 2413, G replaced by C.
Molecular consequence: splice donor variant.
Genome position (GRCh38, 1-based): chr20:63,690,442, G>C. VCF-style: chr20-63690442-G-C. GRCh37 (hg19) VCF-style: chr20-62321795-G-C.
Other names: IVS25AS, G-C, +1; c.1744+1G>C (NM_001283010.1); c.2485+1G>C (NM_032957.5); c.2413+1G>C (NM_016434.4).
Identifiers: ClinVar variation 217284 (VCV000217284.6), dbSNP rs776744306, ClinGen allele CA210103.

ClinVar aggregate classification (germline): Pathogenic/Likely pathogenic. Review status: criteria provided, multiple submitters, no conflicts (2 of 4 stars). 4 submissions from 4 submitters: Pathogenic (1); Likely pathogenic (2). 1 of the submissions does not count toward it. Last evaluated 2023-03-24.

Conditions:
Dyskeratosis congenita, autosomal recessive 5 (DKCB5). Identifiers: MedGen C3554656, MONDO:0014076, OMIM 615190.
Pulmonary fibrosis and/or bone marrow failure, Telomere-related, 3. Also called: PULMONARY FIBROSIS AND/OR BONE MARROW FAILURE SYNDROME, TELOMERE-RELATED, 3. Identifiers: Orphanet 2032, MedGen C4225346, MONDO:0014613, OMIM 616373.
Dyskeratosis congenita. Identifiers: Orphanet 1775, MedGen C0265965, MONDO:0015780.
Interstitial lung disease 2 (ILD2). Also called: FIBROCYSTIC PULMONARY DYSPLASIA; FIBROSING ALVEOLITIS, CRYPTOGENIC; Familial idiopathic pulmonary fibrosis. Identifiers: Orphanet 2032, Orphanet 79126, MedGen C5561926, MONDO:0800497, OMIM 178500, MONDO:0800029.

Submissions (4):

Labcorp Genetics (formerly Invitae), Labcorp
Classification: Likely pathogenic for Dyskeratosis congenita, autosomal recessive 5; Pulmonary fibrosis and/or bone marrow failure, Telomere-related, 3. Last evaluated: 2023-03-24. Review status: criteria provided, single submitter. Criteria: Invitae Variant Classification Sherloc (09022015). Collection method: clinical testing. Allele origin: germline.
Comment: In summary, the currently available evidence indicates that the variant is pathogenic, but additional data are needed to prove that conclusively. Therefore, this variant has been classified as Likely Pathogenic. Algorithms developed to predict the effect of sequence changes on RNA splicing suggest that this variant may disrupt the consensus splice site. ClinVar contains an entry for this variant (Variation ID: 217284). Disruption of this splice site has been observed in individual(s) with familial interstitial pneumonia (FIP) (PMID: 25607374). This variant is not present in population databases (gnomAD no frequency). This sequence change affects a donor splice site in intron 26 of the RTEL1 gene. It is expected to disrupt RNA splicing. Variants that disrupt the donor or acceptor splice site typically lead to a loss of protein function (PMID: 16199547), and loss-of-function variants in RTEL1 are known to be pathogenic (PMID: 23453664, 23959892, 25607374).

Women's Health and Genetics/Laboratory Corporation of America, LabCorp
Classification: Likely pathogenic for Dyskeratosis congenita. Last evaluated: 2016-06-16. Review status: criteria provided, single submitter. Criteria: LabCorp Variant Classification Summary - May 2015. Collection method: clinical testing. Allele origin: germline.
Comment: Variant summary: The RTEL1 c.2485+1G>C variant involves the alteration of a conserved GT donor splice site of intron 26. One in silico tool predicts a damaging outcome for this variant along with 5/5 splice tools predicting the variant to result in the elimination of the splice donor site at the exon 26 / intron 26 border. This variant is absent from 106922 control chromosomes and to our knowledge, was only reported in a family with idiopathic interstitial pneumonia with suspected AD mode of inheritance. One clinical diagnostic laboratory classified this variant as Pathogenic for Idiopathic fibrosing alveolitis, chronic form. Considering the impact of the variant on canonical splice site, it was classified as Likely Pathogenic.

University of Washington Center for Mendelian Genomics, University of Washington
Classification: Pathogenic for Interstitial lung disease 2. Last evaluated: 2015-05-19. Review status: criteria provided, single submitter. Criteria: Submitter's publication. Collection method: research. Allele origin: inherited. Affected: yes.

OMIM
Classification: Pathogenic for PULMONARY FIBROSIS AND/OR BONE MARROW FAILURE SYNDROME, TELOMERE-RELATED, 3. Last evaluated: 2015-03-15. Review status: no assertion criteria provided. Collection method: literature only. Allele origin: germline. Not counted in ClinVar's aggregate classification.

Literature cited by the submitters: PubMed 25607374 (cited by 3 submitters); PubMed 16199547 (cited by Labcorp Genetics (formerly Invitae), Labcorp); PubMed 23453664 (cited by Labcorp Genetics (formerly Invitae), Labcorp); PubMed 23959892 (cited by Labcorp Genetics (formerly Invitae), Labcorp).